The following is an entry in ClinVar:

ClinVar aggregate classification (germline): Uncertain significance (1 of 4 stars; one submission).

Conditions:
Hereditary cancer-predisposing syndrome. Also called: Neoplastic Syndromes, Hereditary; Tumor predisposition; Hereditary neoplastic syndrome; Hereditary Cancer Syndrome. Identifiers: Orphanet 140162, MedGen C0027672, MeSH D009386, MONDO:0015356.

Submission:

Ambry Genetics
Classification: Uncertain significance for Hereditary cancer-predisposing syndrome. Last evaluated: 2026-07-06. Review status: criteria provided, single submitter. Criteria: Ambry Variant Classification Scheme 2023. Collection method: clinical testing. Allele origin: germline.
Comment: The p.P127S variant (also known as c.379C>T), located in coding exon 3 of the CDH1 gene, results from a C to T substitution at nucleotide position 379. The proline at codon 127 is replaced by serine, an amino acid with similar properties. This amino acid position is conserved. In addition, this alteration is predicted to be tolerated by in silico analysis. Based on the available evidence, the clinical significance of this variant remains unclear.

NM_004360.5(CDH1):c.379C>T (p.Pro127Ser)

Gene: CDH1 (cadherin 1; plus strand). Cytogenetic location: 16q22.1.
Variant type: single nucleotide variant.
Coding change: c.379C>T on transcript NM_004360.5 (MANE Select); coding-DNA position 379, C replaced by T.
Protein change: p.Pro127Ser; replaces proline 127 with serine.
Molecular consequence: missense variant. On other transcripts: 5 prime UTR variant (2).
Genome position (GRCh38, 1-based): chr16:68,801,885, C>T. VCF-style: chr16-68801885-C-T. GRCh37 (hg19) VCF-style: chr16-68835788-C-T.
Other names: c.379C>T, p.Pro127Ser (NM_001317184.2); c.-1237C>T (NM_001317185.2); c.-1441C>T (NM_001317186.2); short protein forms P127S.
Identifiers: ClinVar variation 5033900 (VCV005033900.1).
Genomic context (GRCh38, chr16:68,801,885, plus strand): 5'-TACAGAAAGTTTTCCACCAAAGTCACGCTGAATACAGTGGGGCACCACCACCGCCCCCCG[C>T]CCCATCAGGTATGTTGGCATTTTTCTGAGAAGTTCGCTGTTGTTTTAGTGCGCTGTCTAA-3'
Protein context (NP_004351.1, residues 117-137): NTVGHHHRPP[Pro127Ser]HQASVSGIQA